The following is an entry in ClinVar:

ClinVar aggregate classification (germline): Uncertain significance (1 of 4 stars; one submission).

Conditions:
Hereditary cancer-predisposing syndrome. Also called: Neoplastic Syndromes, Hereditary; Hereditary Cancer Syndrome; Tumor predisposition; Hereditary neoplastic syndrome. Identifiers: Orphanet 140162, MedGen C0027672, MeSH D009386, MONDO:0015356.

Submission:

Ambry Genetics
Classification: Uncertain significance for Hereditary cancer-predisposing syndrome. Last evaluated: 2024-12-19. Review status: criteria provided, single submitter. Criteria: Ambry Variant Classification Scheme 2023. Collection method: clinical testing. Allele origin: germline.
Comment: The p.S23F variant (also known as c.68C>T), located in coding exon 2 of the SDHAF2 gene, results from a C to T substitution at nucleotide position 68. The serine at codon 23 is replaced by phenylalanine, an amino acid with highly dissimilar properties. This amino acid position is not well conserved in available vertebrate species. In addition, this alteration is predicted to be tolerated by in silico analysis. Based on the available evidence, the clinical significance of this variant remains unclear.

NM_017841.4(SDHAF2):c.68C>T (p.Ser23Phe)

Gene: SDHAF2 (succinate dehydrogenase complex assembly factor 2; plus strand). Cytogenetic location: 11q12.2.
Variant type: single nucleotide variant.
Coding change: c.68C>T on transcript NM_017841.4 (MANE Select); coding-DNA position 68, C replaced by T.
Protein change: p.Ser23Phe; replaces serine 23 with phenylalanine.
Molecular consequence: missense variant.
Genome position (GRCh38, 1-based): chr11:61,437,656, C>T. VCF-style: chr11-61437656-C-T. GRCh37 (hg19) VCF-style: chr11-61205128-C-T.
Other names: short protein forms S23F.
Identifiers: ClinVar variation 3793569 (VCV003793569.1).